The following is an entry in ClinVar:

NM_197968.4(ZMYM2):c.4034del (p.Ser1345fs)

Gene: ZMYM2 (zinc finger MYM-type containing 2; plus strand). Cytogenetic location: 13q12.11.
Variant type: Deletion.
Coding change: c.4034del on transcript NM_197968.4 (MANE Select); coding-DNA position 4034, one base deleted (C; older notation c.4034delC).
Protein change: p.Ser1345fs; shifts the reading frame from serine 1345.
Molecular consequence: frameshift variant. On other transcripts: non-coding transcript variant (1).
Genome position (GRCh38, 1-based): chr13:20,085,914, C deleted. VCF-style (leftmost placement, unchanged base first): chr13-20085913-TC-T. GRCh37 (hg19) VCF-style: chr13-20660053-TC-T.
Other names: c.4034del, p.Ser1345fs (NM_001190964.4, NM_001190965.4, NM_001353157.2 and 4 more transcripts); c.3839del, p.Ser1280fs (NM_001353161.3); c.3773del, p.Ser1258fs (NM_001353163.2); short protein forms S1258fs, S1280fs, S1345fs.
Identifiers: ClinVar variation 3767700 (VCV003767700.1).

ClinVar aggregate classification (germline): Uncertain significance (1 of 4 stars; one submission).

Submission:

GeneDx
Classification: Uncertain significance. Last evaluated: 2024-09-09. Review status: criteria provided, single submitter. Criteria: GeneDx Variant Classification Process June 2021. Collection method: clinical testing. Allele origin: germline. Affected: yes.
Comment: Not observed at significant frequency in large population cohorts (gnomAD); Frameshift variant predicted to result in abnormal protein length as the last 33 amino acids are replaced with 15 different amino acids; Has not been previously published as pathogenic or benign to our knowledge